The following is an entry in ClinVar:

NM_001452.2(FOXF2):c.899C>G (p.Ala300Gly)

Genes: FOXF2 (forkhead box F2; plus strand), FOXF2-DT (FOXF2 divergent transcript; minus strand). Cytogenetic location: 6p25.3.
Variant type: single nucleotide variant.
Coding change: c.899C>G on transcript NM_001452.2 (MANE Select); coding-DNA position 899, C replaced by G.
Protein change: p.Ala300Gly; replaces alanine 300 with glycine.
Molecular consequence: missense variant.
Genome position (GRCh38, 1-based): chr6:1,390,846, C>G. VCF-style: chr6-1390846-C-G. GRCh37 (hg19) VCF-style: chr6-1391081-C-G.
Other names: c.899C>G, p.Ala300Gly (LRG_1190t1); short protein forms A300G.
Identifiers: ClinVar variation 156707 (VCV000156707.1), dbSNP rs587777898, ClinGen allele CA248402.

ClinVar aggregate classification (germline): not provided (0 of 4 stars; one submission).

Submission:

James Howe Lab, University of Iowa Hospital and Clinics
No classification provided. Review status: no classification provided. Collection method: not provided. Allele origin: unknown.
Comment: Analysis of CDKN1B mutations in 86 patients with small bowel neuroendocrine tumors and 68 patients with pancreas neuroendocrine tumors.